The following is an entry in ClinVar:

NM_000455.5(STK11):c.-48C>G

Gene: STK11 (serine/threonine kinase 11; plus strand). Cytogenetic location: 19p13.3.
Variant type: single nucleotide variant.
Coding change: c.-48C>G on transcript NM_000455.5 (MANE Select); 48 bases upstream of the start codon, C replaced by G.
Molecular consequence: 5 prime UTR variant.
Genome position (GRCh38, 1-based): chr19:1,206,866, C>G. VCF-style: chr19-1206866-C-G. GRCh37 (hg19) VCF-style: chr19-1206865-C-G.
Identifiers: ClinVar variation 387617 (VCV000387617.1), dbSNP rs1044460918, ClinGen allele CA16608816.

ClinVar aggregate classification (germline): Likely benign (1 of 4 stars; one submission).

gnomAD v4.1: 1 of 1,529,802 alleles (0.000065%); highest among the groups gnomAD compares: Non-Finnish European, 0.000088%; no homozygotes.

Submission:

GeneDx
Classification: Likely benign. Last evaluated: 2017-01-31. Review status: criteria provided, single submitter. Criteria: GeneDx Variant Classification (06012015). Collection method: clinical testing. Allele origin: germline. Affected: yes.
Comment: This variant is considered likely benign or benign based on one or more of the following criteria: it is a conservative change, it occurs at a poorly conserved position in the protein, it is predicted to be benign by multiple in silico algorithms, and/or has population frequency not consistent with disease.